The following is an entry in ClinVar:

NM_002427.4(MMP13):c.206G>T (p.Arg69Leu)

Genes: MMP13 (matrix metallopeptidase 13; minus strand), LOC126861318 (BRD4-independent group 4 enhancer GRCh37_chr11:102825894-102827093; plus strand). Cytogenetic location: 11q22.2.
Variant type: single nucleotide variant.
Coding change: c.206G>T on transcript NM_002427.4 (MANE Select); coding-DNA position 206, G replaced by T.
Protein change: p.Arg69Leu; replaces arginine 69 with leucine.
Molecular consequence: missense variant.
Genome position (GRCh38, 1-based): chr11:102,955,408, C>A on the plus strand (G>T on the coding strand, the complement: MMP13 is on the minus strand). VCF-style: chr11-102955408-C-A. GRCh37 (hg19) VCF-style: chr11-102826137-C-A.
Other names: short protein forms R69L.
Identifiers: ClinVar variation 930588 (VCV000930588.3), dbSNP rs558630699, ClinGen allele CA382232876.

ClinVar aggregate classification (germline): Uncertain significance (1 of 4 stars; one submission).

Conditions:
Metaphyseal chondrodysplasia, Spahr type (MDST). Identifiers: Orphanet 2501, MedGen C0432225, MONDO:0009597, OMIM 250400.

gnomAD v4.1: 1 of 1,614,016 alleles (0.000062%); highest among the groups gnomAD compares: South Asian, 0.0011%; no homozygotes.

Submission:

Centre for Mendelian Genomics, University Medical Centre Ljubljana
Classification: Uncertain significance for Metaphyseal chondrodysplasia, Spahr type. Last evaluated: 2019-10-03. Review status: criteria provided, single submitter. Criteria: ACMG Guidelines, 2015. Collection method: clinical testing. Allele origin: unknown. Affected: yes.
Comment: This variant was classified as: Uncertain significance. The available evidence on this variant's pathogenicity is insufficient or conflicting. The following ACMG criteria were applied in classifying this variant: PM2.